The following is an entry in ClinVar:

NM_000057.4(BLM):c.1A>G (p.Met1Val)

Gene: BLM (BLM RecQ like helicase; plus strand). Cytogenetic location: 15q26.1.
Variant type: single nucleotide variant.
Coding change: c.1A>G on transcript NM_000057.4 (MANE Select); coding-DNA position 1, A replaced by G.
Protein change: p.Met1Val; changes the start codon (methionine 1).
Molecular consequence: missense variant, initiator codon variant. On other transcripts: 5 prime UTR variant (1).
Genome position (GRCh38, 1-based): chr15:90,747,393, A>G. VCF-style: chr15-90747393-A-G. GRCh37 (hg19) VCF-style: chr15-91290623-A-G.
Other names: c.1A>G, p.Met1Val (NM_001287246.2, NM_001287247.2); c.-1291A>G (NM_001287248.2); short protein forms M1V.
Identifiers: ClinVar variation 2777335 (VCV002777335.3), dbSNP rs1215497457, ClinGen allele CA393838753.
Genomic context (GRCh38, chr15:90,747,393, plus strand): 5'-TTGTGATTAATGCAAAGTACCTAACTCCACTGATTTCTTTTTCCCTCACTTTTTAGGATT[A>G]TGGCTGCTGTTCCTCAAAATAATCTACAGGAGCAACTAGAACGTCACTCAGCCAGAACAC-3'
Protein context (NP_000048.1, residues 1-11): [Met1Val]AAVPQNNLQE

ClinVar aggregate classification (germline): Uncertain significance (1 of 4 stars; one submission).

Conditions:
Bloom syndrome (BLM). Also called: Bloom-Torre-Machacek syndrome. Identifiers: Orphanet 125, MedGen C0005859, MONDO:0008876, OMIM 210900.

Submission:

Labcorp Genetics (formerly Invitae), Labcorp
Classification: Uncertain significance for Bloom syndrome. Last evaluated: 2023-06-25. Review status: criteria provided, single submitter. Criteria: Invitae Variant Classification Sherloc (09022015). Collection method: clinical testing. Allele origin: germline.
Comment: In summary, the available evidence is currently insufficient to determine the role of this variant in disease. Therefore, it has been classified as a Variant of Uncertain Significance. Experimental studies and prediction algorithms are not available or were not evaluated, and the functional significance of this variant is currently unknown. This sequence change affects the initiator methionine of the BLM mRNA. The next in-frame methionine is located at codon 157. This variant is not present in population databases (gnomAD no frequency). This variant has not been reported in the literature in individuals affected with BLM-related conditions.